The following is an entry in ClinVar:

ClinVar aggregate classification (germline): Likely benign (1 of 4 stars; one submission).

Submission:

CeGaT Center for Human Genetics Tuebingen
Classification: Likely benign. Last evaluated: 2026-06-01. Review status: criteria provided, single submitter. Criteria: CeGaT Center For Human Genetics Tuebingen Variant Classification Criteria Version 2. Collection method: clinical testing. Allele origin: germline. Affected: yes. Observed: 8 variant alleles.
Comment: ADAMTS7: BP4, BP7

NM_014272.5(ADAMTS7):c.3366G>A (p.Glu1122=)

Gene: ADAMTS7 (ADAM metallopeptidase with thrombospondin type 1 motif 7; minus strand). Cytogenetic location: 15q25.1.
Variant type: single nucleotide variant.
Coding change: c.3366G>A on transcript NM_014272.5 (MANE Select); coding-DNA position 3366, G replaced by A.
Protein change: p.Glu1122=; no amino-acid change (glutamic acid 1122 retained).
Molecular consequence: synonymous variant.
Genome position (GRCh38, 1-based): chr15:78,766,545, C>T on the plus strand (G>A on the coding strand, the complement: ADAMTS7 is on the minus strand). VCF-style: chr15-78766545-C-T. GRCh37 (hg19) VCF-style: chr15-79058887-C-T.
Identifiers: ClinVar variation 3898226 (VCV003898226.7).